The following is an entry in ClinVar:

ClinVar aggregate classification (germline): Uncertain significance (1 of 4 stars; one submission).

Conditions:
PCNT-related disorder. Also called: PCNT-related condition.

gnomAD v4.1: 2 of 1,613,482 alleles (0.00012%); highest among the groups gnomAD compares: Non-Finnish European, 0.00017%; no homozygotes.

Submission:

PreventionGenetics, part of Exact Sciences
Classification: Uncertain significance for PCNT-related condition. Last evaluated: 2025-05-08. Review status: criteria provided, single submitter. Criteria: ACMG Guidelines, 2015. Collection method: clinical testing. Allele origin: germline.
Comment: The PCNT c.8905C>G variant is predicted to result in the amino acid substitution p.Arg2969Gly. To our knowledge, this variant has not been reported in the literature. This variant is reported in 0.00089% of alleles in individuals of European (Non-Finnish) descent in gnomAD. At this time, the clinical significance of this variant is uncertain due to the absence of conclusive functional and genetic evidence.

NM_006031.6(PCNT):c.8905C>G (p.Arg2969Gly)

Gene: PCNT (pericentrin; plus strand). Cytogenetic location: 21q22.3.
Variant type: single nucleotide variant.
Coding change: c.8905C>G on transcript NM_006031.6 (MANE Select); coding-DNA position 8905, C replaced by G.
Protein change: p.Arg2969Gly; replaces arginine 2969 with glycine.
Molecular consequence: missense variant.
Genome position (GRCh38, 1-based): chr21:46,436,057, C>G. VCF-style: chr21-46436057-C-G. GRCh37 (hg19) VCF-style: chr21-47855970-C-G.
Other names: c.8314C>G, p.Arg2772Gly (NM_001315529.2); short protein forms R2969G, R2772G.
Identifiers: ClinVar variation 4984782 (VCV004984782.1).
Genomic context (GRCh38, chr21:46,436,057, plus strand): 5'-GGCAGCCGCCTCCACCTAGGTTCTGCCCGCAGGGCTGCCGGCTCGGATGCGGACCACCTC[C>G]GGGAACAGCAGCGAGAGCTGGAGGCGATGAGGCAGCGGCTGCTCTCTGCCGCCCGGCTTC-3'
Protein context (NP_006022.3, residues 2959-2979): RAAGSDADHL[Arg2969Gly]EQQRELEAMR